The following is an entry in ClinVar:

ClinVar aggregate classification (germline): Uncertain significance (1 of 4 stars; one submission).

Conditions:
Autosomal recessive axonal neuropathy with neuromyotonia (NMAN). Also called: Gamstorp-Wohlfart syndrome; MYOKYMIA, MYOTONIA, AND MUSCLE WASTING; Neuromyotonia and axonal neuropathy, autosomal recessive. Identifiers: Orphanet 324442, MedGen C5700127, MONDO:0007646, OMIM 137200.

gnomAD v4.1: 7 of 1,611,736 alleles (0.00043%); highest among the groups gnomAD compares: Admixed American, 0.0017%; no homozygotes.

Submission:

Labcorp Genetics (formerly Invitae), Labcorp
Classification: Uncertain significance for Autosomal recessive axonal neuropathy with neuromyotonia. Last evaluated: 2022-07-19. Review status: criteria provided, single submitter. Criteria: Invitae Variant Classification Sherloc (09022015). Collection method: clinical testing. Allele origin: germline.
Comment: In summary, the available evidence is currently insufficient to determine the role of this variant in disease. Therefore, it has been classified as a Variant of Uncertain Significance. Algorithms developed to predict the effect of missense changes on protein structure and function are either unavailable or do not agree on the potential impact of this missense change (SIFT: "Deleterious"; PolyPhen-2: "Probably Damaging"; Align-GVGD: "Class C0"). ClinVar contains an entry for this variant (Variation ID: 963899). This variant has not been reported in the literature in individuals affected with HINT1-related conditions. This variant is not present in population databases (gnomAD no frequency). This sequence change replaces proline, which is neutral and non-polar, with histidine, which is basic and polar, at codon 46 of the HINT1 protein (p.Pro46His).

NM_005340.7(HINT1):c.137C>A (p.Pro46His)

Gene: HINT1 (histidine triad nucleotide binding protein 1; minus strand). Cytogenetic location: 5q23.3.
Variant type: single nucleotide variant.
Coding change: c.137C>A on transcript NM_005340.7 (MANE Select); coding-DNA position 137, C replaced by A.
Protein change: p.Pro46His; replaces proline 46 with histidine.
Molecular consequence: missense variant. On other transcripts: non-coding transcript variant (5).
Genome position (GRCh38, 1-based): chr5:131,162,651, G>T on the plus strand (C>A on the coding strand, the complement: HINT1 is on the minus strand). VCF-style: chr5-131162651-G-T. GRCh37 (hg19) VCF-style: chr5-130498344-G-T.
Other names: short protein forms P46H.
Identifiers: ClinVar variation 963899 (VCV000963899.10), dbSNP rs1580684679, ClinGen allele CA360838832.